The following is an entry in ClinVar:

NM_001267550.2(TTN):c.61939A>T (p.Lys20647Ter)

Genes: TTN-AS1 (TTN antisense RNA 1; plus strand), TTN (titin; minus strand). Cytogenetic location: 2q31.2.
Variant type: single nucleotide variant.
Coding change: c.61939A>T on transcript NM_001267550.2 (MANE Select); coding-DNA position 61939, A replaced by T.
Protein change: p.Lys20647Ter; replaces lysine 20647 with a stop codon.
Molecular consequence: nonsense.
Genome position (GRCh38, 1-based): chr2:178,589,786, T>A on the plus strand (A>T on the coding strand, the complement: TTN is on the minus strand). VCF-style: chr2-178589786-T-A. GRCh37 (hg19) VCF-style: chr2-179454513-T-A.
Other names: c.57016A>T, p.Lys19006Ter (NM_001256850.1); c.34744A>T, p.Lys11582Ter (NM_003319.4); c.54235A>T, p.Lys18079Ter (NM_133378.4); c.35119A>T, p.Lys11707Ter (NM_133432.3); c.35320A>T, p.Lys11774Ter (NM_133437.4); short protein forms K11707*, K18079*, K11582*, K11774*, K19006*, K20647*.
Identifiers: ClinVar variation 4785914 (VCV004785914.1).

ClinVar aggregate classification (germline): Likely pathogenic (1 of 4 stars; one submission).

Conditions:
Autosomal recessive limb-girdle muscular dystrophy type 2J (LGMDR10). Also called: Limb-girdle muscular dystrophy, type 2J; MUSCULAR DYSTROPHY, LIMB-GIRDLE, AUTOSOMAL RECESSIVE 10. Identifiers: Orphanet 140922, MedGen C1837342, MONDO:0012127, OMIM 608807.
Dilated cardiomyopathy 1G (CMD1G). Identifiers: Orphanet 154, MedGen C1858763, MONDO:0011400, OMIM 604145.

Submission:

Labcorp Genetics (formerly Invitae), Labcorp
Classification: Likely pathogenic for Dilated cardiomyopathy 1G; Autosomal recessive limb-girdle muscular dystrophy type 2J. Last evaluated: 2025-08-20. Review status: criteria provided, single submitter. Criteria: Invitae Variant Classification Sherloc (09022015). Collection method: clinical testing. Allele origin: germline.
Comment: This sequence change creates a premature translational stop signal (p.Lys20647*) in the TTN gene. While this is not anticipated to result in nonsense mediated decay, it is expected to create a truncated TTN protein. This variant is not present in population databases (gnomAD no frequency). This variant has not been reported in the literature in individuals affected with TTN-related conditions. This variant is located in the A band of TTN (PMID: 25589632). Truncating variants in this region are significantly overrepresented in patients affected with dilated cardiomyopathy (PMID: 25589632). Truncating variants in this region have also been reported in individuals affected with autosomal recessive centronuclear myopathy (PMID: 23975875). In summary, the currently available evidence indicates that the variant is pathogenic, but additional data are needed to prove that conclusively. Therefore, this variant has been classified as Likely Pathogenic.

Literature cited by the submitters: PubMed 25589632; PubMed 23975875.